The following is an entry in ClinVar:

NC_000003.11:g.(?_123003455)_(123512688_?)dup

Genes: HACD2 (3-hydroxyacyl-CoA dehydratase 2; minus strand), ADCY5 (adenylate cyclase 5; minus strand), MYLK (myosin light chain kinase; minus strand). Cytogenetic location: 3q21.1.
Variant type: Duplication.
Identifiers: ClinVar variation 3246912 (VCV003246912.1).

ClinVar aggregate classification (germline): Uncertain significance (1 of 4 stars; one submission).

Conditions:
Aortic aneurysm, familial thoracic 7 (AAT7). Also called: AORTIC DISSECTION, FAMILIAL, WITH OR WITHOUT AORTIC ANEURYSM. Identifiers: MedGen C3151077, MONDO:0013418, OMIM 613780.

Submission:

Labcorp Genetics (formerly Invitae), Labcorp
Classification: Uncertain significance for Aortic aneurysm, familial thoracic 7. Last evaluated: 2023-03-31. Review status: criteria provided, single submitter. Criteria: Invitae Variant Classification Sherloc (09022015). Collection method: clinical testing. Allele origin: unknown.
Comment: In summary, the available evidence is currently insufficient to determine the role of this variant in disease. Therefore, it has been classified as a Variant of Uncertain Significance. Experimental studies and prediction algorithms are not available or were not evaluated, and the functional significance of this variant is currently unknown. This variant has not been reported in the literature in individuals affected with MYLK-related conditions. A copy number gain of the genomic region encompassing the full coding sequence of the MYLK gene has been identified. The boundaries of this event are unknown as they extend beyond the assayed region for this gene and therefore may encompass additional genes. As the precise location of this event is unknown, it may be in tandem or it may be located elsewhere in the genome.